The following is an entry in ClinVar:

NM_003931.3(WASF1):c.1317A>G (p.Pro439=)

Gene: WASF1 (WASP family member 1; minus strand). Cytogenetic location: 6q21.
Variant type: single nucleotide variant.
Coding change: c.1317A>G on transcript NM_003931.3 (MANE Select); coding-DNA position 1317, A replaced by G.
Protein change: p.Pro439=; no amino-acid change (proline 439 retained).
Molecular consequence: synonymous variant.
Genome position (GRCh38, 1-based): chr6:110,101,793, T>C on the plus strand (A>G on the coding strand, the complement: WASF1 is on the minus strand). VCF-style: chr6-110101793-T-C. GRCh37 (hg19) VCF-style: chr6-110422996-T-C.
Other names: c.1317A>G, p.Pro439= (NM_001024934.2, NM_001024935.2, NM_001024936.2).
Identifiers: ClinVar variation 3905383 (VCV003905383.11).

ClinVar aggregate classification (germline): Likely benign. Review status: criteria provided, multiple submitters, no conflicts (2 of 4 stars). 2 submissions from 2 submitters: Likely benign (2). Last evaluated 2025-05-01.

gnomAD v4.1: 40 of 1,614,064 alleles (0.0025%); highest among the groups gnomAD compares: African/African-American, 0.021%; no homozygotes.

Submissions (2):

CeGaT Center for Human Genetics Tuebingen
Classification: Likely benign. Last evaluated: 2025-05-01. Review status: criteria provided, single submitter. Criteria: CeGaT Center For Human Genetics Tuebingen Variant Classification Criteria Version 2. Collection method: clinical testing. Allele origin: germline. Affected: yes. Observed: 1 variant allele.
Comment: WASF1: BP4, BP7

Blueprint Genetics
Classification: Likely benign. Last evaluated: 2024-04-30. Review status: criteria provided, single submitter. Criteria: ACMG Guidelines, 2015. Collection method: clinical testing. Allele origin: germline.